The following is an entry in ClinVar:

ClinVar aggregate classification (germline): Likely benign. Review status: criteria provided, single submitter (1 of 4 stars). 2 submissions from 2 submitters: Likely benign (1). 1 of the submissions does not count toward it. Last evaluated 2024-07-27.

Conditions:
GRHL3-related disorder. Also called: GRHL3-related condition.
Van der Woude syndrome 2 (VWS2). Identifiers: Orphanet 888, MedGen C1847604, MONDO:0011712, OMIM 606713.

Allele frequency attached by ClinVar (database versions not stated): gnomAD exomes 0.00013; ExAC 0.00031; ESP Exome Variant Server 0.00046; gnomAD 0.00046; TOPMed 0.00046; 1000 Genomes Project 30x 0.00109; 1000 Genomes Project 0.00120.
gnomAD v4.1: 267 of 1,613,104 alleles (0.017%); highest among the groups gnomAD compares: African/African-American, 0.18%; 2 homozygotes.

Submissions (2):

Labcorp Genetics (formerly Invitae), Labcorp
Classification: Likely benign for Van der Woude syndrome 2. Last evaluated: 2024-07-27. Review status: criteria provided, single submitter. Criteria: Invitae Variant Classification Sherloc (09022015). Collection method: clinical testing. Allele origin: germline.

PreventionGenetics, part of Exact Sciences
Classification: Likely benign for GRHL3-related condition. Last evaluated: 2024-02-13. Review status: no assertion criteria provided. Collection method: clinical testing. Allele origin: germline. Not counted in ClinVar's aggregate classification.
Comment: This variant is classified as likely benign based on ACMG/AMP sequence variant interpretation guidelines (Richards et al. 2015 PMID: 25741868, with internal and published modifications).

NM_198173.3(GRHL3):c.560C>T (p.Pro187Leu)

Gene: GRHL3 (grainyhead like transcription factor 3; plus strand). Cytogenetic location: 1p36.11.
Variant type: single nucleotide variant.
Coding change: c.560C>T on transcript NM_198173.3 (MANE Select); coding-DNA position 560, C replaced by T.
Protein change: p.Pro187Leu; replaces proline 187 with leucine.
Molecular consequence: missense variant.
Genome position (GRCh38, 1-based): chr1:24,336,775, C>T. VCF-style: chr1-24336775-C-T. GRCh37 (hg19) VCF-style: chr1-24663265-C-T.
Other names: c.422C>T, p.Pro141Leu (NM_001195010.2); c.575C>T, p.Pro192Leu (NM_021180.4); c.560C>T, p.Pro187Leu (NM_198174.3); short protein forms P141L, P187L, P192L.
Identifiers: ClinVar variation 3036446 (VCV003036446.4), dbSNP rs116674530, ClinGen allele CA689920.
Genomic context (GRCh38, chr1:24,336,775, plus strand): 5'-CCACTGATATGTATGATAATGGCTCCCTCAACTCCTTGTTTGAGAGCATTCATGGGGTGC[C>T]GCCCACACAGCGCTGGCAGCCAGACAGCACCTTCAAAGATGACCCACAGGAGGTGAGGGC-3'
Protein context (NP_937816.1, residues 177-197): NSLFESIHGV[Pro187Leu]PTQRWQPDST